The following is an entry in ClinVar:

ClinVar aggregate classification (germline): Likely pathogenic (1 of 4 stars; one submission).

Submission:

GeneDx
Classification: Likely pathogenic. Last evaluated: 2017-09-19. Review status: criteria provided, single submitter. Criteria: GeneDx Variant Classification (06012015). Collection method: clinical testing. Allele origin: germline. Affected: yes.
Comment: The M578T variant has not been published as a pathogenic variant, nor has it been reported as a benign variant to our knowledge. The M578T variant is not observed in large population cohorts (Lek et al., 2016). This variant is a non-conservative amino acid substitution, which is likely to impact secondary protein structure as these residues differ in polarity, charge, size and/or other properties. This substitution occurs at a position that is conserved across species, and different missense variants at the same position (M578I/V) have been reported in individuals with KCNQ2-related disorders, including as a de novo variant in an individual with neonatal epilepsy (Numis et al., 2014; Grinton et al., 2015). Additionally, missense variants in nearby residues (R581G/Q) have been reported in the Human Gene Mutation Database in association with KCNQ2-related disorders (Stenson et al., 2014). In silico analysis predicts this variant is probably damaging to the protein structure/function.

NM_172107.4(KCNQ2):c.1733T>C (p.Met578Thr)

Gene: KCNQ2 (potassium voltage-gated channel subfamily Q member 2; minus strand). Cytogenetic location: 20q13.33.
Variant type: single nucleotide variant.
Coding change: c.1733T>C on transcript NM_172107.4 (MANE Select); coding-DNA position 1733, T replaced by C.
Protein change: p.Met578Thr; replaces methionine 578 with threonine.
Molecular consequence: missense variant.
Genome position (GRCh38, 1-based): chr20:63,413,480, A>G on the plus strand (T>C on the coding strand, the complement: KCNQ2 is on the minus strand). VCF-style: chr20-63413480-A-G. GRCh37 (hg19) VCF-style: chr20-62044833-A-G.
Other names: c.1649T>C, p.Met550Thr (NM_004518.6); c.1679T>C, p.Met560Thr (NM_172106.3); c.1640T>C, p.Met547Thr (NM_172108.5); short protein forms M578T, M547T, M550T, M560T.
Identifiers: ClinVar variation 452187 (VCV000452187.2), dbSNP rs1555853524, ClinGen allele CA409643455.